The following is an entry in ClinVar:

ClinVar aggregate classification (germline): Conflicting classifications of pathogenicity. Review status: criteria provided, conflicting classifications (1 of 4 stars). 8 submissions from 8 submitters: Uncertain significance (1); Benign (1); Likely benign (3). 3 of the submissions do not count toward it. Last evaluated 2026-01-28.

Conditions:
Retinitis pigmentosa 25 (RP25). Identifiers: Orphanet 791, MedGen C1864446, MONDO:0011272, OMIM 602772.
Retinitis pigmentosa (RP). Identifiers: Orphanet 791, MedGen C0035334, MeSH D012174, MONDO:0019200, OMIM 268000. Inheritance: Autosomal dominant, autosomal recessive and X linked inheritance.

Allele frequency attached by ClinVar (database versions not stated): 1000 Genomes Project 30x 0.00016; 1000 Genomes Project 0.00020; gnomAD exomes 0.00239 and 0.00375; TOPMed 0.00244; ExAC 0.00253; ESP Exome Variant Server 0.00263; gnomAD 0.00276 and 0.00284.
gnomAD v4.1: 5,627 of 1,550,984 alleles (0.36%); highest among the groups gnomAD compares: Non-Finnish European, 0.44%; 18 homozygotes.

Submissions (8):

Labcorp Genetics (formerly Invitae), Labcorp
Classification: Benign. Last evaluated: 2026-01-28. Review status: criteria provided, single submitter. Criteria: Invitae Variant Classification Sherloc (09022015). Collection method: clinical testing. Allele origin: germline.

CeGaT Center for Human Genetics Tuebingen
Classification: Likely benign. Last evaluated: 2025-11-01. Review status: criteria provided, single submitter. Criteria: CeGaT Center For Human Genetics Tuebingen Variant Classification Criteria Version 2. Collection method: clinical testing. Allele origin: germline. Affected: yes. Observed: 4 variant alleles.
Comment: EYS: BP4, BS2

Blueprint Genetics
Classification: Likely benign. Last evaluated: 2024-11-20. Review status: criteria provided, single submitter. Criteria: ACMG Guidelines, 2015. Collection method: clinical testing. Allele origin: germline.

Pars Genome Lab
Classification: Likely benign for Retinitis pigmentosa 25. Last evaluated: 2021-05-18. Review status: criteria provided, single submitter. Criteria: ACMG Guidelines, 2015. Collection method: clinical testing. Allele origin: germline. Affected: no.

Illumina Laboratory Services, Illumina
Classification: Uncertain significance for Retinitis pigmentosa. Last evaluated: 2018-01-13. Review status: criteria provided, single submitter. Criteria: ICSL Variant Classification Criteria 13 December 2019. Collection method: clinical testing. Allele origin: germline.

Natera, Inc.
Classification: Likely benign for Retinitis pigmentosa type 25. Last evaluated: 2020-06-05. Review status: no assertion criteria provided. Collection method: clinical testing. Allele origin: germline. Not counted in ClinVar's aggregate classification.

Clinical Genetics DNA and cytogenetics Diagnostics Lab, Erasmus MC, Erasmus Medical Center
Classification: Likely benign. Review status: no assertion criteria provided. Collection method: clinical testing. Allele origin: germline. Affected: yes. Study: VKGL Data-share Consensus. Not counted in ClinVar's aggregate classification.

Clinical Genetics, Academic Medical Center
Classification: Likely benign. Review status: no assertion criteria provided. Collection method: clinical testing. Allele origin: germline. Affected: yes. Study: VKGL Data-share Consensus. Not counted in ClinVar's aggregate classification.

NM_001142800.2(EYS):c.2613C>T (p.Asp871=)

Gene: EYS (EGF-like photoreceptor maintenance factor; minus strand). Cytogenetic location: 6q12.
Variant type: single nucleotide variant.
Coding change: c.2613C>T on transcript NM_001142800.2 (MANE Select); coding-DNA position 2613, C replaced by T.
Protein change: p.Asp871=; no amino-acid change (aspartic acid 871 retained).
Molecular consequence: synonymous variant.
Genome position (GRCh38, 1-based): chr6:64,912,512, G>A on the plus strand (C>T on the coding strand, the complement: EYS is on the minus strand). VCF-style: chr6-64912512-G-A. GRCh37 (hg19) VCF-style: chr6-65622405-G-A.
Other names: c.2613C>T, p.Asp871= (NM_001292009.2).
Identifiers: ClinVar variation 357727 (VCV000357727.62), dbSNP rs192059823, ClinGen allele CA3877269.